The following is an entry in ClinVar:

ClinVar aggregate classification (germline): Likely benign (1 of 4 stars; one submission).

Allele frequency attached by ClinVar (database versions not stated): gnomAD 0.00002; gnomAD exomes 0.00002; TOPMed 0.00002; ExAC 0.00005.
gnomAD v4.1: 39 of 1,611,024 alleles (0.0024%); highest among the groups gnomAD compares: Middle Eastern, 0.072%; no homozygotes.

Submission:

CeGaT Center for Human Genetics Tuebingen
Classification: Likely benign. Last evaluated: 2023-02-01. Review status: criteria provided, single submitter. Criteria: CeGaT Center For Human Genetics Tuebingen Variant Classification Criteria Version 2. Collection method: clinical testing. Allele origin: germline. Affected: yes. Observed: 1 variant allele.
Comment: KDM5B: BP4, BP7

NM_006618.5(KDM5B):c.57C>T (p.Gly19=)

Genes: KDM5B (lysine demethylase 5B; minus strand), LOC129932250 (ATAC-STARR-seq lymphoblastoid silent region 1706; plus strand). Cytogenetic location: 1q32.1.
Variant type: single nucleotide variant.
Coding change: c.57C>T on transcript NM_006618.5 (MANE Select); coding-DNA position 57, C replaced by T.
Protein change: p.Gly19=; no amino-acid change (glycine 19 retained).
Molecular consequence: synonymous variant.
Genome position (GRCh38, 1-based): chr1:202,808,249, G>A on the plus strand (C>T on the coding strand, the complement: KDM5B is on the minus strand). VCF-style: chr1-202808249-G-A. GRCh37 (hg19) VCF-style: chr1-202777377-G-A.
Other names: c.57C>T, p.Gly19= (NM_001314042.2, NM_001347591.2, NM_001399817.1).
Identifiers: ClinVar variation 2639811 (VCV002639811.24), dbSNP rs778412398, ClinGen allele CA1335111.